The following is an entry in ClinVar:

NM_000391.4(TPP1):c.1426-10A>G

Gene: TPP1 (tripeptidyl peptidase 1; minus strand). Cytogenetic location: 11p15.4.
Variant type: single nucleotide variant.
Coding change: c.1426-10A>G on transcript NM_000391.4 (MANE Select); 10 bases into the intron before coding-DNA position 1426, A replaced by G.
Molecular consequence: intron variant.
Genome position (GRCh38, 1-based): chr11:6,615,001, T>C on the plus strand (A>G on the coding strand, the complement: TPP1 is on the minus strand). VCF-style: chr11-6615001-T-C. GRCh37 (hg19) VCF-style: chr11-6636232-T-C.
Identifiers: ClinVar variation 137705 (VCV000137705.13), dbSNP rs200965587, ClinGen allele CA291364.

ClinVar aggregate classification (germline): Benign/Likely benign. Review status: criteria provided, multiple submitters, no conflicts (2 of 4 stars). 3 submissions from 3 submitters: Benign (1); Likely benign (2). Last evaluated 2026-01-24.

Allele frequency attached by ClinVar (database versions not stated): TOPMed 0.00019; 1000 Genomes Project 0.00040; 1000 Genomes Project 30x 0.00062.
gnomAD v4.1: 285 of 1,613,534 alleles (0.018%); highest among the groups gnomAD compares: Non-Finnish European, 0.022%; 1 homozygote.

Submissions (3):

Labcorp Genetics (formerly Invitae), Labcorp
Classification: Likely benign. Last evaluated: 2026-01-24. Review status: criteria provided, single submitter. Criteria: Invitae Variant Classification Sherloc (09022015). Collection method: clinical testing. Allele origin: germline.

Blueprint Genetics
Classification: Likely benign. Last evaluated: 2024-10-15. Review status: criteria provided, single submitter. Criteria: ACMG Guidelines, 2015. Collection method: clinical testing. Allele origin: germline.

GeneDx
Classification: Benign. Last evaluated: 2013-06-12. Review status: criteria provided, single submitter. Criteria: GeneDx Variant Classification (06012015). Collection method: clinical testing. Allele origin: germline. Affected: yes.
Comment: This variant is considered likely benign or benign based on one or more of the following criteria: it is a conservative change, it occurs at a poorly conserved position in the protein, it is predicted to be benign by multiple in silico algorithms, and/or has population frequency not consistent with disease.